The following is an entry in ClinVar:

ClinVar aggregate classification (germline): Likely benign (1 of 4 stars; one submission).

Submission:

CeGaT Center for Human Genetics Tuebingen
Classification: Likely benign. Last evaluated: 2026-05-01. Review status: criteria provided, single submitter. Criteria: CeGaT Center For Human Genetics Tuebingen Variant Classification Criteria Version 2. Collection method: clinical testing. Allele origin: germline. Affected: yes. Observed: 1 variant allele.
Comment: TUBA1B: PM2:Supporting, BP4, BP7

NM_006082.3(TUBA1B):c.468T>C (p.Arg156=)

Gene: TUBA1B (tubulin alpha 1b; minus strand). Cytogenetic location: 12q13.12.
Variant type: single nucleotide variant.
Coding change: c.468T>C on transcript NM_006082.3 (MANE Select); coding-DNA position 468, T replaced by C.
Protein change: p.Arg156=; no amino-acid change (arginine 156 retained).
Molecular consequence: synonymous variant.
Genome position (GRCh38, 1-based): chr12:49,128,846, A>G on the plus strand (T>C on the coding strand, the complement: TUBA1B is on the minus strand). VCF-style: chr12-49128846-A-G. GRCh37 (hg19) VCF-style: chr12-49522629-A-G.
Identifiers: ClinVar variation 4872784 (VCV004872784.2).